The following is an entry in ClinVar:

NM_000421.5(KRT10):c.1209_1210delinsTT (p.Gln403_Leu404delinsHisPhe)

Genes: KRT10 (keratin 10; minus strand), KRT10-AS1 (KRT10 antisense RNA 1; plus strand), LOC126862559 (BRD4-independent group 4 enhancer GRCh37_chr17:38975907-38977106; plus strand). Cytogenetic location: 17q21.2.
Variant type: Indel.
Coding change: c.1209_1210delinsTT on transcript NM_000421.5 (MANE Select); coding-DNA positions 1209 to 1210, GC replaced by TT.
Protein change: p.Gln403_Leu404delinsHisPhe.
Molecular consequence: missense variant.
Genome position (GRCh38, 1-based): chr17:40,819,680-40,819,681, GC replaced by AA on the plus strand (GC replaced by TT on the coding strand, the reverse complement: KRT10 is on the minus strand). VCF-style: chr17-40819680-GC-AA. GRCh37 (hg19) VCF-style: chr17-38975932-GC-AA.
Other names: c.1209_1210delinsTT, p.Gln403_Leu404delinsHisPhe (NM_001379366.1).
Identifiers: ClinVar variation 3764352 (VCV003764352.1).

ClinVar aggregate classification (germline): Uncertain significance (1 of 4 stars; one submission).

Submission:

GeneDx
Classification: Uncertain significance. Last evaluated: 2024-08-19. Review status: criteria provided, single submitter. Criteria: GeneDx Variant Classification Process June 2021. Collection method: clinical testing. Allele origin: germline. Affected: yes.
Comment: Not observed at significant frequency in large population cohorts (gnomAD); In silico analysis indicates that this variant does not alter protein structure/function; However, in silico analysis suggests this variant may impact gene splicing. In the absence of RNA/functional studies, the actual effect of this sequence change is unknown.; Has not been previously published as pathogenic or benign to our knowledge